The following is an entry in ClinVar:

ClinVar aggregate classification (germline): Likely pathogenic (3 of 4 stars; one submission).

Conditions:
GUCY2D-related recessive retinopathy. Also called: Recessive GUCY2D retinopathy. Identifiers: MedGen CN305603, MONDO:0100453.

Submission:

ClinGen Leber Congenital Amaurosis/early Onset Retinal Dystrophy Variant Curation Expert Panel, ClinGen
Classification: Likely pathogenic for GUCY2D-related recessive retinopathy. Last evaluated: 2025-01-31. Review status: reviewed by expert panel. Criteria: ClinGen LCAeoRD ACMG Specifications GUCY2D V1.0.0. Collection method: curation. Allele origin: germline. Inheritance: Autosomal recessive inheritance.
Comment: NM_000180.4(GUCY2D):c.2765A>G (p.Tyr922Cys) is a missense variant that replaces tyrosine with cysteine at position p.922, which is located within the guanylate cyclase catalytic domain that exhibits intolerance to missense variation (PM1_Supporting). This variant is absent from gnomAD v4.1.0 (PM2_Supporting). This variant has been reported in at least 1 proband with early-onset severe retinal dystrophy who harbored the variant in the compound heterozygous state confirmed in trans with the NM_000180.4(GUCY2D):c.2983C>T (p.Arg995Trp) variant, which was previously classified as likely pathogenic by the ClinGen LCA/eoRD VCEP (1 pt, PMID: 29844330, PM3). The computational predictor REVEL gives a score of 0.946 which is above the ClinGen LCA/eoRD VCEP threshold of ≥0.773 and predicts a damaging effect on RetGC-1 protein function (PP3_Moderate). The splicing impact predictor SpliceAI gives a score of 0.03 for splice donor gain, which is below the ClinGen LCA/eoRD VCEP recommended threshold of ≥0.2 and does not strongly predict an impact on splicing. In summary, this variant meets the criteria to be classified as likely pathogenic for GUCY2D-related recessive retinopathy based on the ACMG/AMP criteria applied, as specified by the ClinGen LCA/eoRD VCEP: PM2_Supporting, PM1_Supporting, PM3, and PP3_Moderate. (VCEP specifications version 1.0.0; date of approval 01/22/2025).

NM_000180.4(GUCY2D):c.2765A>G (p.Tyr922Cys)

Gene: GUCY2D (guanylate cyclase 2D, retinal; plus strand). Cytogenetic location: 17p13.1.
Variant type: single nucleotide variant.
Coding change: c.2765A>G on transcript NM_000180.4 (MANE Select); coding-DNA position 2765, A replaced by G.
Protein change: p.Tyr922Cys; replaces tyrosine 922 with cysteine.
Molecular consequence: missense variant.
Genome position (GRCh38, 1-based): chr17:8,015,047, A>G. VCF-style: chr17-8015047-A-G. GRCh37 (hg19) VCF-style: chr17-7918365-A-G.
Other names: NM_000180.4:c.2765A>G; short protein forms Y922C.
Identifiers: ClinVar variation 3602091 (VCV003602091.1).